The following is an entry in ClinVar:

NM_004958.4(MTOR):c.4535T>C (p.Met1512Thr)

Gene: MTOR (mechanistic target of rapamycin kinase; minus strand). Cytogenetic location: 1p36.22.
Variant type: single nucleotide variant.
Coding change: c.4535T>C on transcript NM_004958.4 (MANE Select); coding-DNA position 4535, T replaced by C.
Protein change: p.Met1512Thr; replaces methionine 1512 with threonine.
Molecular consequence: missense variant.
Genome position (GRCh38, 1-based): chr1:11,150,161, A>G on the plus strand (T>C on the coding strand, the complement: MTOR is on the minus strand). VCF-style: chr1-11150161-A-G. GRCh37 (hg19) VCF-style: chr1-11210218-A-G.
Other names: c.4535T>C, p.Met1512Thr (NM_001386500.1); c.3287T>C, p.Met1096Thr (NM_001386501.1); short protein forms M1096T, M1512T.
Identifiers: ClinVar variation 2827424 (VCV002827424.3), dbSNP rs2522543358, ClinGen allele CA338369672.

ClinVar aggregate classification (germline): Uncertain significance (1 of 4 stars; one submission).

Submission:

Labcorp Genetics (formerly Invitae), Labcorp
Classification: Uncertain significance. Last evaluated: 2023-02-08. Review status: criteria provided, single submitter. Criteria: Invitae Variant Classification Sherloc (09022015). Collection method: clinical testing. Allele origin: germline.
Comment: This sequence change replaces methionine, which is neutral and non-polar, with threonine, which is neutral and polar, at codon 1512 of the MTOR protein (p.Met1512Thr). This variant is not present in population databases (gnomAD no frequency). This variant has not been reported in the literature in individuals affected with MTOR-related conditions. Advanced modeling of protein sequence and biophysical properties (such as structural, functional, and spatial information, amino acid conservation, physicochemical variation, residue mobility, and thermodynamic stability) performed at Invitae indicates that this missense variant is not expected to disrupt MTOR protein function. In summary, the available evidence is currently insufficient to determine the role of this variant in disease. Therefore, it has been classified as a Variant of Uncertain Significance.